The following is an entry in ClinVar:

NC_000003.11:g.(?_7620089)_(7722002_?)del

Gene: GRM7 (glutamate metabotropic receptor 7; plus strand). Cytogenetic location: 3p26.1.
Variant type: Deletion.
Identifiers: ClinVar variation 3246959 (VCV003246959.1).

ClinVar aggregate classification (germline): Uncertain significance (1 of 4 stars; one submission).

Submission:

Labcorp Genetics (formerly Invitae), Labcorp
Classification: Uncertain significance. Last evaluated: 2023-12-27. Review status: criteria provided, single submitter. Criteria: Invitae Variant Classification Sherloc (09022015). Collection method: clinical testing. Allele origin: unknown.
Comment: This variant is a gross deletion of the genomic region encompassing exon(s) 8-9 of the GRM7 gene. While this deletion is not anticipated to lead to nonsense mediated decay, it is expected to disrupt the C-terminus of the protein. This variant has not been reported in the literature in individuals affected with GRM7-related conditions. This variant disrupts a region of the GRM7 protein in which other variant(s) (p.Arg658Gln) have been observed in individuals with GRM7-related conditions (PMID: 32286009). This suggests that this is a clinically significant region of the protein, and that variants that disrupt it are likely to be disease-causing. In summary, the available evidence is currently insufficient to determine the role of this variant in disease. Therefore, it has been classified as a Variant of Uncertain Significance.

Literature cited by the submitters: PubMed 32286009.